The following is an entry in ClinVar:

NM_000237.3(LPL):c.662T>C (p.Ile221Thr)

Gene: LPL (lipoprotein lipase; plus strand). Cytogenetic location: 8p21.3.
Variant type: single nucleotide variant.
Coding change: c.662T>C on transcript NM_000237.3 (MANE Select); coding-DNA position 662, T replaced by C.
Protein change: p.Ile221Thr; replaces isoleucine 221 with threonine.
Molecular consequence: missense variant.
Genome position (GRCh38, 1-based): chr8:19,954,240, T>C. VCF-style: chr8-19954240-T-C. GRCh37 (hg19) VCF-style: chr8-19811751-T-C.
Other names: I194T; short protein forms I221T.
Identifiers: ClinVar variation 1529 (VCV000001529.40), dbSNP rs118204061, ClinGen allele CA251867.

ClinVar aggregate classification (germline): Conflicting classifications of pathogenicity. Review status: criteria provided, conflicting classifications (1 of 4 stars). 16 submissions from 16 submitters: Pathogenic (11); Likely pathogenic (3); Uncertain significance (1). 1 of the submissions does not count toward it. Last evaluated 2026-06-23.

Conditions:
LPL-related disorder. Also called: LPL-related condition.
Cardiovascular phenotype. Identifiers: MedGen CN230736.
Hyperlipoproteinemia, type I. Also called: Hyperlipoproteinemia type 1; Hyperchylomicro-nemia familial; Familial chylomicronemia; Hyperlipemia idiopathic Burger-Grutz type; LPL DEFICIENCY; Lipoprotein Lipase Deficiency. Identifiers: Orphanet 309015, Orphanet 444490, MedGen C0023817, MONDO:0009387, OMIM 238600. Disease mechanism: loss of function.
Hyperlipidemia, familial combined, LPL related (FCHL3). Also called: Hyperapobetalipoproteinemia. Identifiers: MedGen C0020474, MONDO:0007759, OMIM 144250, HP:0008158.

Allele frequency attached by ClinVar (database versions not stated): ExAC 0.00001; gnomAD exomes 0.00002; TOPMed 0.00003; gnomAD 0.00004.

Submissions 1 to 11 of 16:

Kasturba Medical College, Manipal, Kasturba Medical College, Manipal, Manipal Academy of Higher Education, Manipal, India
Classification: Likely pathogenic for Hyperlipoproteinemia, type I. Last evaluated: 2026-06-23. Review status: criteria provided, single submitter. Criteria: ACMG Guidelines, 2015. Collection method: research. Allele origin: unknown. Inheritance: Autosomal recessive inheritance. Affected: yes. Observed: 1 variant allele, 1 homozygote.
Comment: This variant is present in heterozygous state in one individual in our in-house database of 4246 exomes and in 36 individuals in gnomAD population database (v4.1.0). This variant is absent in homozygous state in our in-house database of 4246 exomes and gnomAD population database (v4.1.0). In-silico analysis tools (CADD_phred and REVEL) are consistent in predicting the variant to be damaging to the LPL protein structure and function.

PreventionGenetics, part of Exact Sciences
Classification: Pathogenic for LPL-related condition. Last evaluated: 2026-06-15. Review status: criteria provided, single submitter. Criteria: ACMG Guidelines, 2015. Collection method: clinical testing. Allele origin: germline.
Comment: The LPL c.662T>C variant is predicted to result in the amino acid substitution p.Ile221Thr. This variant, also described as p.Ile194Thr, has been reported in both the homozygous and compound heterozygous states in individuals with a personal and family history of lipoprotein lipase deficiency and hypertriglyceridemia with chylomicronemia (see for example Rodrigues et al. 2016. PubMed ID: 27055971; Ooi et al. 2012. PubMed ID: 22095987; Henderson et al. 1991. PubMed ID: 1674945; Dichek et al. 1991. PubMed ID: 1702428). Additionally, this variant has also been reported in the heterozygous state in individuals with hypertriglyceridemia (Rodrigues et al. 2016. PubMed ID: 27055971; Wang et al. 2007. PubMed ID: 17717288). Functional studies using COS-1 or HEK-293 cells suggest that the p.Ile221Thr substitution alters the catalytic activity of LPL protein (Henderson et al. 1991. PubMed ID: 1674945; Dichek et al. 1991. PubMed ID: 1702428). This variant is reported in 0.0050% of alleles in individuals of East Asian descent in gnomAD. This variant is interpreted as pathogenic.

Natera, Inc.
Classification: Pathogenic for Lipoprotein lipase deficiency. Last evaluated: 2025-08-26. Review status: criteria provided, single submitter. Criteria: Natera Variant Classification Schema (03/2026). Collection method: clinical testing. Allele origin: germline.
Comment: The c.662T>C variant in LPL is a missense variant predicted to cause substitution of isoleucine to threonine at amino acid 221. This variant is rare in the general population with a frequency below the threshold expected for the associated phenotype(s). This variant has been observed in one or more individuals affected with the associated recessive disease, as either homozygous or compound heterozygous with a second variant (PMID: 1674945, 22095987, 25966443, 11983347, 30655019). Functional studies show that this variant may disrupt protein function (PMID: 22095987). Computational prediction algorithms indicate this variant is likely to affect gene or protein function. Given the available evidence, this variant is classified as Pathogenic.

CeGaT Center for Human Genetics Tuebingen
Classification: Pathogenic. Last evaluated: 2025-05-01. Review status: criteria provided, single submitter. Criteria: CeGaT Center For Human Genetics Tuebingen Variant Classification Criteria Version 2. Collection method: clinical testing. Allele origin: germline. Affected: yes. Observed: 1 variant allele.
Comment: LPL: PM3:Very Strong, PM2, PP3, PS3:Supporting

Labcorp Genetics (formerly Invitae), Labcorp
Classification: Pathogenic. Last evaluated: 2025-02-15. Review status: criteria provided, single submitter. Criteria: Invitae Variant Classification Sherloc (09022015). Collection method: clinical testing. Allele origin: germline.
Comment: This sequence change replaces isoleucine, which is neutral and non-polar, with threonine, which is neutral and polar, at codon 221 of the LPL protein (p.Ile221Thr). This variant is present in population databases (rs118204061, gnomAD 0.005%). This missense change has been observed in individual(s) with clinical features of chylomicronemia (PMID: 1674945, 1702428, 15877202, 25966443). In at least one individual the data is consistent with being in trans (on the opposite chromosome) from a pathogenic variant. This variant is also known as p.Ile194Thr. ClinVar contains an entry for this variant (Variation ID: 1529). Invitae Evidence Modeling of protein sequence and biophysical properties (such as structural, functional, and spatial information, amino acid conservation, physicochemical variation, residue mobility, and thermodynamic stability) indicates that this missense variant is expected to disrupt LPL protein function with a positive predictive value of 80%. Experimental studies have shown that this missense change affects LPL function (PMID: 1702428). For these reasons, this variant has been classified as Pathogenic.

Genomic Medicine Center of Excellence, King Faisal Specialist Hospital and Research Centre
Classification: Pathogenic for Hyperlipoproteinemia, type I. Last evaluated: 2024-04-04. Review status: criteria provided, single submitter. Criteria: ACMG Guidelines, 2015. Collection method: clinical testing. Allele origin: germline.

Clinical Genetics Laboratory, Skane University Hospital Lund
Classification: Pathogenic. Last evaluated: 2024-01-10. Review status: criteria provided, single submitter. Criteria: ACMG Guidelines, 2015. Collection method: clinical testing. Allele origin: germline. Affected: yes.

Ambry Genetics
Classification: Likely pathogenic for Cardiovascular phenotype. Last evaluated: 2023-04-21. Review status: criteria provided, single submitter. Criteria: Ambry Variant Classification Scheme 2023. Collection method: clinical testing. Allele origin: germline.
Comment: The p.I221T variant (also known as c.662T>C), located in coding exon 5 of the LPL gene, results from a T to C substitution at nucleotide position 662. The isoleucine at codon 221 is replaced by threonine, an amino acid with similar properties. This alteration has been reported as compound heterozygous with known pathogenic mutations in LPL and as homozygous in individuals with familial chylomicronemia syndrome (Dichek HL et al. J Biol Chem, 1991 Jan;266:473-7; Henderson HE et al. J Clin Invest, 1991 Jun;87:2005-11; Reina M et al. J Lipid Res, 1992 Dec;33:1823-32; Nierman MC et al. J Inherit Metab Dis, 2006 Oct;29:686; Ooi EM et al. Arterioscler Thromb Vasc Biol, 2012 Feb;32:459-66; Rabacchi C et al. Atherosclerosis, 2015 Jul;241:79-86). Additionally, this alteration has been reported as heterozygous in individuals with hypertriglyceridemia (Rodrigues R et al. J Clin Lipidol, 2016 Dec;10:394-409; Wang J et al. Arterioscler Thromb Vasc Biol, 2007 Nov;27:2450-5; Evans D et al. Atherosclerosis, 2011 Feb;214:386-90; Tada H et al. Clin Chim Acta, 2019 Jan;488:31-39). In vitro studies showed this alteration impacts protein function (Fojo SS et al. Eur J Epidemiol, 1992 May;8 Suppl 1:59-63; Peterson J et al. J Lipid Res, 2002 Mar;43:398-406). This variant is considered to be rare based on population cohorts in the Genome Aggregation Database (gnomAD). This amino acid position is highly conserved in available vertebrate species. In addition, this alteration is predicted to be deleterious by in silico analysis. Based on the majority of available evidence to date, this variant is likely to be pathogenic.

GeneDx
Classification: Pathogenic. Last evaluated: 2023-04-08. Review status: criteria provided, single submitter. Criteria: GeneDx Variant Classification Process June 2021. Collection method: clinical testing. Allele origin: germline. Affected: yes.
Comment: Published functional studies demonstrate that I221T results in defective LPL protein and inactive enzyme (Dichek et al., 1991; Henderson et al., 1991; Fojo et al., 1992; Peterson et al., 2002; Ooi et al., 2012; Wang et al., 2022); In silico analysis supports that this missense variant has a deleterious effect on protein structure/function; Also known as I194T; This variant is associated with the following publications: (PMID: 17717288, 30389453, 1505655, 15877202, 16972177, 1702428, 27055971, 27573733, 25966443, 1479292, 11893776, 15256764, 31589614, 32041611, 1674945, 35923617, 22095987, 35820489)

Cardiovascular Genetics Laboratory, PathWest Laboratory Medicine WA - Fiona Stanley Hospital
Classification: Pathogenic for Hyperlipoproteinemia, type I. Last evaluated: 2022-12-01. Review status: criteria provided, single submitter. Criteria: ACMG Guidelines, 2015. Collection method: clinical testing. Allele origin: germline. Affected: yes.
Comment: The LPL p.Ile221Thr missense variant (rs118204061, originally Ile194Thr) is present at a low frequency (6/277,212 alleles) in the gnomAD database and is pathogenic. In silico algorithms predict this variant to be pathogenic (REVEL score 0.81). Ile221Thr has previously been reported in homozygous and compound heterozygous form in several patients with lipoprotein lipase (LPL) deficiency (ClinVar). In vitro studies showed that LPL Ile221Thr is catalytically inactive (PMID: 1674945, 1702428, 1505655).

Molecular Diagnostic Laboratory for Inherited Cardiovascular Disease, Montreal Heart Institute
Classification: Pathogenic for Cardiovascular phenotype. Last evaluated: 2022-08-03. Review status: criteria provided, single submitter. Criteria: ACMG Guidelines, 2015. Collection method: clinical testing. Allele origin: germline. Affected: yes.